The following is an entry in ClinVar:

NM_004380.3(CREBBP):c.85+1G>C

Gene: CREBBP (CREB binding lysine acetyltransferase; minus strand). Cytogenetic location: 16p13.3.
Variant type: single nucleotide variant.
Coding change: c.85+1G>C on transcript NM_004380.3 (MANE Select); the canonical splice donor site of the intron after coding-DNA position 85, G replaced by C.
Molecular consequence: splice donor variant.
Genome position (GRCh38, 1-based): chr16:3,879,831, C>G on the plus strand (G>C on the coding strand, the complement: CREBBP is on the minus strand). VCF-style: chr16-3879831-C-G. GRCh37 (hg19) VCF-style: chr16-3929832-C-G.
Other names: c.85+1G>C (NM_001079846.1).
Identifiers: ClinVar variation 4531610 (VCV004531610.1).
Genomic context (GRCh38, chr16:3,879,831, plus strand): 5'-CTCTTTCAGGTGGGGGTGACAGCGCGCCCCGGGCCCCCGCCGCCCCGGACCCCCTCCTCA[C>G]CTGTGCTGTCATTCGCCGAGAAACCGGGCGAGCTGAGTTTGGCTCTTTTGGGGTTGGGCG-3'

ClinVar aggregate classification (germline): Likely pathogenic (1 of 4 stars; one submission).

Conditions:
Rubinstein-Taybi syndrome due to CREBBP mutations (RSTS1). Also called: RUBINSTEIN SYNDROME; CREBBP-Related Rubinstein-Taybi Syndrome; RUBINSTEIN-TAYBI SYNDROME 1, INCOMPLETE; BROAD THUMB-HALLUX SYNDROME; Rubinstein-Taybi syndrome 1; BROAD THUMBS AND GREAT TOES, CHARACTERISTIC FACIES, AND IMPAIRED INTELLECTUAL DEVELOPMENT. Identifiers: Orphanet 353277, Orphanet 783, MedGen C4551859, MONDO:0008393, OMIM 180849.

Submission:

Victorian Clinical Genetics Services, Murdoch Childrens Research Institute
Classification: Likely pathogenic for Rubinstein-Taybi syndrome due to CREBBP mutations. Last evaluated: 2024-10-09. Review status: criteria provided, single submitter. Criteria: ACMG Guidelines, 2015. Collection method: clinical testing. Allele origin: germline. Affected: yes.
Comment: This variant is classified as Likely pathogenic. Evidence in support of pathogenic classification: Canonical splice site variant without proven consequence on splicing (no functional evidence available); Variant is absent from gnomAD (v2, v3 and v4); Another splice site variant comparable to the one identified in this case has limited previous evidence for pathogenicity. c.85+1G>T has been observed in a individual with Rubinstein-Taybi syndrome (PMID: 21984751); Abnormal splicing is predicted by in silico tool and affected nucleotide is highly conserved. Additional information: This variant is heterozygous; This gene is associated with autosomal dominant disease; This variant has no previous evidence of pathogenicity; No published segregation evidence has been identified for this variant; No published functional evidence has been identified for this variant; Loss of function is a known mechanism of disease in this gene and is associated with Menke-Hennekam syndrome 1 (MIM#618332) and Rubinstein-Taybi syndrome 1 (MIM#180849); Inheritance information for this variant is not currently available in this individual.

Literature cited by the submitters: PubMed 21984751.